The following is an entry in ClinVar:

NM_001367624.2(ZNF469):c.7345C>T (p.Arg2449Cys)

Gene: ZNF469 (zinc finger protein 469; plus strand). Cytogenetic location: 16q24.2.
Variant type: single nucleotide variant.
Coding change: c.7345C>T on transcript NM_001367624.2 (MANE Select); coding-DNA position 7345, C replaced by T.
Protein change: p.Arg2449Cys; replaces arginine 2449 with cysteine.
Molecular consequence: missense variant.
Genome position (GRCh38, 1-based): chr16:88,434,815, C>T. VCF-style: chr16-88434815-C-T. GRCh37 (hg19) VCF-style: chr16-88501223-C-T.
Other names: NM_001127464.1:c.7261C>T; short protein forms R2449C.
Identifiers: ClinVar variation 1416397 (VCV001416397.5), dbSNP rs1308314699, ClinGen allele CA397109644.

ClinVar aggregate classification (germline): Uncertain significance. Review status: criteria provided, multiple submitters, no conflicts (2 of 4 stars). 2 submissions from 2 submitters: Uncertain significance (2). Last evaluated 2024-09-26.

Conditions:
Cardiovascular phenotype. Identifiers: MedGen CN230736.

Allele frequency attached by ClinVar (database versions not stated): TOPMed below 0.00001; gnomAD 0.00001; gnomAD exomes 0.00001.
gnomAD v4.1: 13 of 1,550,216 alleles (0.00084%); highest among the groups gnomAD compares: Non-Finnish European, 0.0011%; no homozygotes.

Submissions (2):

Labcorp Genetics (formerly Invitae), Labcorp
Classification: Uncertain significance. Last evaluated: 2024-09-26. Review status: criteria provided, single submitter. Criteria: Invitae Variant Classification Sherloc (09022015). Collection method: clinical testing. Allele origin: germline.
Comment: This sequence change replaces arginine, which is basic and polar, with cysteine, which is neutral and slightly polar, at codon 2421 of the ZNF469 protein (p.Arg2421Cys). This variant is not present in population databases (gnomAD no frequency). This variant has not been reported in the literature in individuals affected with ZNF469-related conditions. ClinVar contains an entry for this variant (Variation ID: 1416397). An algorithm developed to predict the effect of missense changes on protein structure and function outputs the following: PolyPhen-2: "Benign". The cysteine amino acid residue is found in multiple mammalian species, which suggests that this missense change does not adversely affect protein function. In summary, the available evidence is currently insufficient to determine the role of this variant in disease. Therefore, it has been classified as a Variant of Uncertain Significance.

Ambry Genetics
Classification: Uncertain significance for Cardiovascular phenotype. Last evaluated: 2023-10-08. Review status: criteria provided, single submitter. Criteria: Ambry Variant Classification Scheme 2023. Collection method: clinical testing. Allele origin: germline.
Comment: The p.R2421C variant (also known as c.7261C>T), located in coding exon 2 of the ZNF469 gene, results from a C to T substitution at nucleotide position 7261. The arginine at codon 2421 is replaced by cysteine, an amino acid with highly dissimilar properties. This amino acid position is conserved. In addition, this alteration is predicted to be tolerated by in silico analysis. Since supporting evidence is limited at this time, the clinical significance of this alteration remains unclear.